The following is an entry in ClinVar:

NM_001077446.4(TSEN34):c.*815G>A

Gene: TSEN34 (tRNA splicing endonuclease subunit 34; plus strand). Cytogenetic location: 19q13.42.
Variant type: single nucleotide variant.
Coding change: c.*815G>A on transcript NM_001077446.4 (MANE Select); 815 bases downstream of the stop codon, G replaced by A.
Molecular consequence: 3 prime UTR variant.
Genome position (GRCh38, 1-based): chr19:54,194,177, G>A. VCF-style: chr19-54194177-G-A. GRCh37 (hg19) VCF-style: chr19-54698032-G-A.
Other names: c.*815G>A (NM_001282332.2, NM_001386740.1, NM_024075.5); c.*506G>A (NM_001282333.2).
Identifiers: ClinVar variation 330141 (VCV000330141.5), dbSNP rs36620, ClinGen allele CA309377650.

ClinVar aggregate classification (germline): Benign (1 of 4 stars; one submission).

Conditions:
Pontoneocerebellar hypoplasia. Also called: Pontocerebellar hypoplasia; Non-syndromic pontocerebellar hypoplasia. Identifiers: Orphanet 98523, MedGen C1261175, MONDO:0020135.

Allele frequency attached by ClinVar (database versions not stated): gnomAD exomes 0.00056; 1000 Genomes Project 30x 0.00906; 1000 Genomes Project 0.00919; gnomAD 0.00944; TOPMed 0.01017.

Submission:

Illumina Laboratory Services, Illumina
Classification: Benign for Pontoneocerebellar hypoplasia. Last evaluated: 2018-01-12. Review status: criteria provided, single submitter. Criteria: ICSL Variant Classification Criteria 13 December 2019. Collection method: clinical testing. Allele origin: germline.
Comment: This variant was observed in the ICSL laboratory as part of a predisposition screen in an ostensibly healthy population. It had not been previously curated by ICSL or reported in the Human Gene Mutation Database (HGMD: prior to June 1st, 2018), and was therefore a candidate for classification through an automated scoring system. Utilizing variant allele frequency, disease prevalence and penetrance estimates, and inheritance mode, an automated score was calculated to assess if this variant is too frequent to cause the disease. Based on the score and internal cut-off values, a variant classified as benign is not then subjected to further curation. The score for this variant resulted in a classification of benign for this disease.